The following is an entry in ClinVar:

NM_000138.5(FBN1):c.6794G>A (p.Cys2265Tyr)

Gene: FBN1 (fibrillin 1; minus strand). Cytogenetic location: 15q21.1.
Variant type: single nucleotide variant.
Coding change: c.6794G>A on transcript NM_000138.5 (MANE Select); coding-DNA position 6794, G replaced by A.
Protein change: p.Cys2265Tyr; replaces cysteine 2265 with tyrosine.
Molecular consequence: missense variant.
Genome position (GRCh38, 1-based): chr15:48,430,748, C>T on the plus strand (G>A on the coding strand, the complement: FBN1 is on the minus strand). VCF-style: chr15-48430748-C-T. GRCh37 (hg19) VCF-style: chr15-48722945-C-T.
Other names: short protein forms C2265Y.
Identifiers: ClinVar variation 379655 (VCV000379655.9), dbSNP rs1057520679, ClinGen allele CA16606691.
Genomic context (GRCh38, chr15:48,430,748, plus strand): 5'-TCAGGTCTCCGCTGATACCCGGGTCCACAGATGCACATATATGTGCCAATGAGGTTCTTG[C>T]ATTCCATTTGTTTTTCAGTACAGTCATGTTTTCCCTCTTCACACTCATCCTCATCTGTAA-3'
Protein context (NP_000129.3, residues 2255-2275): KHDCTEKQME[Cys2265Tyr]KNLIGTYMCI

ClinVar aggregate classification (germline): Pathogenic. Review status: criteria provided, multiple submitters, no conflicts (2 of 4 stars). 2 submissions from 2 submitters: Pathogenic (2). Last evaluated 2026-09-04.

Conditions:
Marfan syndrome (MFS). Also called: Marfan syndrome, classic; Marfan syndrome type 1; Marfan's syndrome; MARFAN SYNDROME, TYPE I; FBN1-Related Marfan Syndrome. Identifiers: Orphanet 284963, Orphanet 558, MedGen C0024796, MONDO:0007947, OMIM 154700.
Familial thoracic aortic aneurysm and aortic dissection (TAAD). Also called: Thoracic aortic aneurysms and dissections. Identifiers: Orphanet 91387, MedGen C4707243, MONDO:0019625.

Submissions (2):

GeneDx
Classification: Pathogenic. Last evaluated: 2026-09-04. Review status: criteria provided, single submitter. Criteria: GeneDx Variant Classification Process June 2021. Collection method: clinical testing. Allele origin: germline.
Comment: Identified in patients with Marfan syndrome referred for genetic testing at GeneDx and in published literature, including assumed de novo in one patient (PMID: 15821637, 19293843); Not observed at significant frequency in large population cohorts (gnomAD); Affects a cysteine residue within an EGF-like domain of the FBN1 gene, which may affect disulfide bonding and is predicted to alter the structure and function of the protein; cysteine substitutions in the EGF-like domains represent the majority of pathogenic missense changes associated with FBN1-related disorders (PMID: 12938084); In silico analysis supports that this missense variant has a deleterious effect on protein structure/function; This variant is associated with the following publications: (PMID: 16342915, 19293843, 12938084, 15821637)

Labcorp Genetics (formerly Invitae), Labcorp
Classification: Pathogenic for Marfan syndrome; Familial thoracic aortic aneurysm and aortic dissection. Last evaluated: 2022-06-27. Review status: criteria provided, single submitter. Criteria: Invitae Variant Classification Sherloc (09022015). Collection method: clinical testing. Allele origin: germline.
Comment: Advanced modeling of protein sequence and biophysical properties (such as structural, functional, and spatial information, amino acid conservation, physicochemical variation, residue mobility, and thermodynamic stability) performed at Invitae indicates that this missense variant is expected to disrupt FBN1 protein function. ClinVar contains an entry for this variant (Variation ID: 379655). This missense change has been observed in individuals with Marfan syndrome (PMID: 16342915; Invitae). This variant is not present in population databases (gnomAD no frequency). This sequence change replaces cysteine, which is neutral and slightly polar, with tyrosine, which is neutral and polar, at codon 2265 of the FBN1 protein (p.Cys2265Tyr). For these reasons, this variant has been classified as Pathogenic. This variant affects a cysteine residue in the EGF-like, TGFBP or hybrid motif domains of FBN1. Cysteine residues are believed to be involved in intramolecular disulfide bridges and have been shown to be important for FBN1 protein structure (PMID: 16905551, 19349279). In addition, missense substitutions affecting cysteine residues within these domains are significantly overrepresented among patients with Marfan syndrome (PMID: 16571647, 17701892).

Literature cited by the submitters: PubMed 16342915 (cited by Labcorp Genetics (formerly Invitae), Labcorp); PubMed 16905551 (cited by Labcorp Genetics (formerly Invitae), Labcorp); PubMed 19349279 (cited by Labcorp Genetics (formerly Invitae), Labcorp); PubMed 16571647 (cited by Labcorp Genetics (formerly Invitae), Labcorp); PubMed 17701892 (cited by Labcorp Genetics (formerly Invitae), Labcorp).